The following is an entry in ClinVar:

ClinVar aggregate classification (germline): Uncertain significance (1 of 4 stars; one submission).

Conditions:
Idiopathic generalized epilepsy. Also called: Generalised epilepsy; EIG. Identifiers: MedGen C0270850, MONDO:0005579, OMIM 600669.
Hyperaldosteronism, familial, type IV (HALD4). Also called: FH IV; ALDOSTERONISM, PRIMARY, AND HYPERTENSION. Identifiers: Orphanet 642671, MedGen C4310756, MONDO:0014875, OMIM 617027.

Submission:

Labcorp Genetics (formerly Invitae), Labcorp
Classification: Uncertain significance for Idiopathic generalized epilepsy; Hyperaldosteronism, familial, type IV. Last evaluated: 2021-02-19. Review status: criteria provided, single submitter. Criteria: Invitae Variant Classification Sherloc (09022015). Collection method: clinical testing. Allele origin: germline.
Comment: In summary, the available evidence is currently insufficient to determine the role of this variant in disease. Therefore, it has been classified as a Variant of Uncertain Significance. Advanced modeling of protein sequence and biophysical properties (such as structural, functional, and spatial information, amino acid conservation, physicochemical variation, residue mobility, and thermodynamic stability) performed at Invitae indicates that this missense variant is not expected to disrupt CACNA1H protein function. This variant has not been reported in the literature in individuals with CACNA1H-related conditions. This variant is not present in population databases (ExAC no frequency). This sequence change replaces histidine with glutamine at codon 1788 of the CACNA1H protein (p.His1788Gln). The histidine residue is highly conserved and there is a small physicochemical difference between histidine and glutamine.

NM_021098.3(CACNA1H):c.5364C>G (p.His1788Gln)

Gene: CACNA1H (calcium voltage-gated channel subunit alpha1 H; plus strand). Cytogenetic location: 16p13.3.
Variant type: single nucleotide variant.
Coding change: c.5364C>G on transcript NM_021098.3 (MANE Select); coding-DNA position 5364, C replaced by G.
Protein change: p.His1788Gln; replaces histidine 1788 with glutamine.
Molecular consequence: missense variant.
Genome position (GRCh38, 1-based): chr16:1,217,959, C>G. VCF-style: chr16-1217959-C-G. GRCh37 (hg19) VCF-style: chr16-1267959-C-G.
Other names: c.5346C>G, p.His1782Gln (NM_001005407.2); short protein forms H1788Q, H1782Q.
Identifiers: ClinVar variation 1511997 (VCV001511997.8), dbSNP rs769283823, ClinGen allele CA394147003.
Genomic context (GRCh38, chr16:1,217,959, plus strand): 5'-CGGGGTCTCCCTCCCCGCAGAGTGCAGTGAAGACAACCCCTGCGAGGGCCTGAGCAGGCA[C>G]GCCACCTTCAGCAACTTCGGCATGGCCTTCCTCACGCTGTTCCGCGTGTCCACGGGGGAC-3'
Protein context (NP_066921.2, residues 1778-1798): EDNPCEGLSR[His1788Gln]ATFSNFGMAF